The following is an entry in ClinVar:

NM_000059.4(BRCA2):c.7683_7684del (p.Gln2561fs)

Gene: BRCA2 (BRCA2 DNA repair associated; plus strand). Cytogenetic location: 13q13.1.
Variant type: Deletion.
Coding change: c.7683_7684del on transcript NM_000059.4 (MANE Select); coding-DNA positions 7683 to 7684, 2 bases deleted (GT; older notation c.7683_7684delGT).
Protein change: p.Gln2561fs; shifts the reading frame from glutamine 2561.
Molecular consequence: frameshift variant.
Genome position (GRCh38, 1-based): chr13:32,357,807-32,357,808, GT deleted. VCF-style (leftmost placement, unchanged base first): chr13-32357806-AGT-A. GRCh37 (hg19) VCF-style: chr13-32931943-AGT-A.
Other names: c.7683_7684delGT (NM_000059.3); short protein forms Q2561fs.
Identifiers: ClinVar variation 254611 (VCV000254611.4), dbSNP rs766251541, ClinGen allele CA6941131.
Genomic context (GRCh38, chr13:32,357,806, plus strand): 5'-ATACGTATGGCGTTTCTAAACATTGCATAAAAATTAACAGCAAAAATGCAGAGTCTTTTC[AGT>A]TTCACACTGAAGATTATTTTGGTAAGGAAAGTTTATGGACTGGAAAAGGAATACAGTTGG-3'

ClinVar aggregate classification (germline): Pathogenic (3 of 4 stars; one submission).

Conditions:
Breast-ovarian cancer, familial, susceptibility to, 2 (BROVCA2). Also called: BRCA2 Hereditary Breast and Ovarian Cancer. Identifiers: Orphanet 145, MedGen C2675520, MONDO:0012933, OMIM 612555. Disease mechanism: loss of function.

Allele frequency attached by ClinVar (database versions not stated): gnomAD exomes below 0.00001; ExAC 0.00001.

Submission:

Evidence-based Network for the Interpretation of Germline Mutant Alleles (ENIGMA)
Classification: Pathogenic for Breast-ovarian cancer, familial, susceptibility to, 2. Last evaluated: 2016-09-08. Review status: reviewed by expert panel. Criteria: ENIGMA BRCA1/2 Classification Criteria (2015). Collection method: curation. Allele origin: germline.
Comment: Variant allele predicted to encode a truncated non-functional protein.